The following is an entry in ClinVar:

ClinVar aggregate classification (germline): Uncertain significance (1 of 4 stars; one submission).

Conditions:
Hereditary cancer-predisposing syndrome. Also called: Neoplastic Syndromes, Hereditary; Tumor predisposition; Hereditary Cancer Syndrome; Hereditary neoplastic syndrome. Identifiers: Orphanet 140162, MedGen C0027672, MeSH D009386, MONDO:0015356.

Submission:

Ambry Genetics
Classification: Uncertain significance for Hereditary cancer-predisposing syndrome. Last evaluated: 2026-04-16. Review status: criteria provided, single submitter. Criteria: Ambry Variant Classification Scheme 2023. Collection method: clinical testing. Allele origin: germline.
Comment: The c.108C>T variant (also known as p.Y36Y), located in coding exon 3 of the SMARCE1 gene, results from a C to T substitution at nucleotide position 108. This nucleotide substitution does not change the tyrosine at codon 36. This nucleotide position is highly conserved in available vertebrate species. In silico splice site analysis for this alteration is inconclusive. Based on the available evidence, the clinical significance of this variant remains unclear.

NM_003079.5(SMARCE1):c.108C>T (p.Tyr36=)

Gene: SMARCE1 (SWI/SNF related BAF chromatin remodeling complex subunit E1; minus strand). Cytogenetic location: 17q21.2.
Variant type: single nucleotide variant.
Coding change: c.108C>T on transcript NM_003079.5 (MANE Select); coding-DNA position 108, C replaced by T.
Protein change: p.Tyr36=; no amino-acid change (tyrosine 36 retained).
Molecular consequence: synonymous variant.
Genome position (GRCh38, 1-based): chr17:40,642,503, G>A on the plus strand (C>T on the coding strand, the complement: SMARCE1 is on the minus strand). VCF-style: chr17-40642503-G-A. GRCh37 (hg19) VCF-style: chr17-38798755-G-A.
Identifiers: ClinVar variation 4864865 (VCV004864865.1).